The following is an entry in ClinVar:

ClinVar aggregate classification (germline): Likely benign. Review status: criteria provided, single submitter (1 of 4 stars). 2 submissions from 2 submitters: Likely benign (1). 1 of the submissions does not count toward it. Last evaluated 2026-01-24.

Conditions:
PRDM5-related disorder. Also called: PRDM5-related condition.

Allele frequency attached by ClinVar (database versions not stated): ExAC 0.00001; gnomAD exomes 0.00001.
gnomAD v4.1: 7 of 1,613,188 alleles (0.00043%); highest among the groups gnomAD compares: Non-Finnish European, 0.00059%; no homozygotes.

Submissions (2):

Labcorp Genetics (formerly Invitae), Labcorp
Classification: Likely benign. Last evaluated: 2026-01-24. Review status: criteria provided, single submitter. Criteria: Invitae Variant Classification Sherloc (09022015). Collection method: clinical testing. Allele origin: germline.

PreventionGenetics, part of Exact Sciences
Classification: Likely benign for PRDM5-related condition. Last evaluated: 2023-11-29. Review status: no assertion criteria provided. Collection method: clinical testing. Allele origin: germline. Not counted in ClinVar's aggregate classification.
Comment: This variant is classified as likely benign based on ACMG/AMP sequence variant interpretation guidelines (Richards et al. 2015 PMID: 25741868, with internal and published modifications).

NM_018699.4(PRDM5):c.475+7C>T

Gene: PRDM5 (PR/SET domain 5; minus strand). Cytogenetic location: 4q27.
Variant type: single nucleotide variant.
Coding change: c.475+7C>T on transcript NM_018699.4 (MANE Select); 7 bases into the intron after coding-DNA position 475, C replaced by T.
Molecular consequence: intron variant.
Genome position (GRCh38, 1-based): chr4:120,821,164, G>A on the plus strand (C>T on the coding strand, the complement: PRDM5 is on the minus strand). VCF-style: chr4-120821164-G-A. GRCh37 (hg19) VCF-style: chr4-121742319-G-A.
Other names: c.475+7C>T (NM_001300824.2, NM_001379106.1, NM_001300823.2 and 2 more transcripts).
Identifiers: ClinVar variation 2997701 (VCV002997701.5), dbSNP rs780189960, ClinGen allele CA3061390.
Genomic context (GRCh38, chr4:120,821,164, plus strand): 5'-CACAGTTTAAACTACACTTTTTTCTACAACTTTTCTTCTCCCAGATCACCAATTAAAGAT[G>A]CAATACCTTTTCTGCCCGCTGTTGATTGTCTTCTAGAATTTTCAACTTCCCCTTCTTTGA-3'